The following is an entry in ClinVar:

ClinVar aggregate classification (germline): Uncertain significance (1 of 4 stars; one submission).

Conditions:
Desmin-related myofibrillar myopathy (MFM1). Also called: Desminopathy; MYOFIBRILLAR MYOPATHY WITH ARRHYTHMOGENIC RIGHT VENTRICULAR CARDIOMYOPATHY; DESMIN-RELATED MYOPATHY WITH ARRHYTHMOGENIC RIGHT VENTRICULAR CARDIOMYOPATHY; Desmin related myopathy (former name); Desmin storage myopathy (former name); Myofibrillar myopathy 1. Identifiers: Orphanet 363543, Orphanet 98909, MedGen C1832370, MONDO:0011076, OMIM 601419.

Allele frequency attached by ClinVar (database versions not stated): gnomAD exomes below 0.00001.

Submission:

Labcorp Genetics (formerly Invitae), Labcorp
Classification: Uncertain significance for Desmin-related myofibrillar myopathy. Last evaluated: 2022-06-14. Review status: criteria provided, single submitter. Criteria: Invitae Variant Classification Sherloc (09022015). Collection method: clinical testing. Allele origin: germline.
Comment: This sequence change replaces threonine, which is neutral and polar, with isoleucine, which is neutral and non-polar, at codon 341 of the DES protein (p.Thr341Ile). This variant is present in population databases (no rsID available, gnomAD 0.0009%). This missense change has been observed in individual(s) with clinical features of DES-related conditions (PMID: 21520333). ClinVar contains an entry for this variant (Variation ID: 958647). Algorithms developed to predict the effect of missense changes on protein structure and function are either unavailable or do not agree on the potential impact of this missense change (SIFT: "Tolerated"; PolyPhen-2: "Possibly Damaging"; Align-GVGD: "Class C15"). In summary, the available evidence is currently insufficient to determine the role of this variant in disease. Therefore, it has been classified as a Variant of Uncertain Significance.

Literature cited by the submitters: PubMed 21520333.

NM_001927.4(DES):c.1022C>T (p.Thr341Ile)

Gene: DES (desmin; plus strand). Cytogenetic location: 2q35.
Variant type: single nucleotide variant.
Coding change: c.1022C>T on transcript NM_001927.4 (MANE Select); coding-DNA position 1022, C replaced by T.
Protein change: p.Thr341Ile; replaces threonine 341 with isoleucine.
Molecular consequence: missense variant. On other transcripts: intron variant (1).
Genome position (GRCh38, 1-based): chr2:219,420,952, C>T. VCF-style: chr2-219420952-C-T. GRCh37 (hg19) VCF-style: chr2-220285674-C-T.
Other names: c.1019C>T, p.Thr340Ile (NM_001382708.1); c.1022C>T, p.Thr341Ile (NM_001382710.1, NM_001382711.1, NM_001382712.1); c.752C>T, p.Thr251Ile (NM_001382713.1); c.736-532C>T (NM_001382709.1); short protein forms T341I, T251I, T340I.
Identifiers: ClinVar variation 958647 (VCV000958647.10), dbSNP rs1338606921, ClinGen allele CA350693422.